The following is an entry in ClinVar:

NM_000051.4(ATM):c.1168G>A (p.Glu390Lys)

Gene: ATM (ATM serine/threonine kinase; plus strand). Cytogenetic location: 11q22.3.
Variant type: single nucleotide variant.
Coding change: c.1168G>A on transcript NM_000051.4 (MANE Select); coding-DNA position 1168, G replaced by A.
Protein change: p.Glu390Lys; replaces glutamic acid 390 with lysine.
Molecular consequence: missense variant.
Genome position (GRCh38, 1-based): chr11:108,249,035, G>A. VCF-style: chr11-108249035-G-A. GRCh37 (hg19) VCF-style: chr11-108119762-G-A.
Other names: c.1168G>A, p.Glu390Lys (NM_001351834.2); short protein forms E390K.
Identifiers: ClinVar variation 232972 (VCV000232972.8), dbSNP rs876660106, ClinGen allele CA10578998.

ClinVar aggregate classification (germline): Conflicting classifications of pathogenicity. Review status: criteria provided, conflicting classifications (1 of 4 stars). 2 submissions from 2 submitters: Uncertain significance (1); Likely benign (1). Last evaluated 2025-07-01.

Conditions:
Hereditary cancer-predisposing syndrome. Also called: Neoplastic Syndromes, Hereditary; Tumor predisposition; Hereditary Cancer Syndrome; Hereditary neoplastic syndrome. Identifiers: Orphanet 140162, MedGen C0027672, MeSH D009386, MONDO:0015356.
Familial cancer of breast. Also called: BREAST CANCER, FAMILIAL; hereditary breast carcinoma; Hereditary breast cancer. Identifiers: Orphanet 227535, MedGen C0346153, MONDO:0016419, OMIM 114480. Disease mechanism: loss of function.

Submissions (2):

Ambry Genetics
Classification: Likely benign for Hereditary cancer-predisposing syndrome. Last evaluated: 2025-07-01. Review status: criteria provided, single submitter. Criteria: Ambry Variant Classification Scheme 2023. Collection method: clinical testing. Allele origin: germline.

MGZ Medical Genetics Center
Classification: Uncertain significance for Familial cancer of breast. Last evaluated: 2021-09-17. Review status: criteria provided, single submitter. Criteria: ACMG Guidelines, 2015. Collection method: clinical testing. Allele origin: germline. Affected: yes. Observed: 1 variant allele.
Comment: ACMG criteria applied: PM2_SUP